The following is an entry in ClinVar:

ClinVar aggregate classification (germline): Conflicting classifications of pathogenicity. Review status: criteria provided, conflicting classifications (1 of 4 stars). 2 submissions from 2 submitters: Uncertain significance (1); Likely benign (1). Last evaluated 2023-03-23.

Conditions:
Hereditary cancer-predisposing syndrome. Also called: Tumor predisposition; Neoplastic Syndromes, Hereditary; Hereditary Cancer Syndrome; Hereditary neoplastic syndrome. Identifiers: Orphanet 140162, MedGen C0027672, MeSH D009386, MONDO:0015356.
Hereditary breast ovarian cancer syndrome. Also called: BRCA1- and BRCA2-Associated Hereditary Breast and Ovarian Cancer; Hereditary breast and/or ovarian cancer syndrome; Hereditary breast and ovarian cancer syndrome; Hereditary breast and ovarian cancer syndrome (HBOC); Breast and ovarian cancer; Hereditary breast and ovarian cancer. Identifiers: Orphanet 145, MedGen C0677776, MeSH D061325, MONDO:0003582. Disease mechanism: loss of function.

Submissions (2):

University of Washington Department of Laboratory Medicine, University of Washington
Classification: Likely benign for Hereditary cancer-predisposing syndrome. Last evaluated: 2023-03-23. Review status: criteria provided, single submitter. Criteria: Dines et al. (Genet Med. 2020). Collection method: curation. Allele origin: germline.
Comment: Missense variant in a coldspot region where missense variants are very unlikely to be pathogenic (PMID:31911673).

BRCA2 exon 11 coldspot. Reclassification based on statistical prior probability.

Labcorp Genetics (formerly Invitae), Labcorp
Classification: Uncertain significance for Hereditary breast ovarian cancer syndrome. Last evaluated: 2022-01-16. Review status: criteria provided, single submitter. Criteria: Invitae Variant Classification Sherloc (09022015). Collection method: clinical testing. Allele origin: germline.
Comment: In summary, the available evidence is currently insufficient to determine the role of this variant in disease. Therefore, it has been classified as a Variant of Uncertain Significance. Advanced modeling of protein sequence and biophysical properties (such as structural, functional, and spatial information, amino acid conservation, physicochemical variation, residue mobility, and thermodynamic stability) performed at Invitae indicates that this missense variant is not expected to disrupt BRCA2 protein function. This variant has not been reported in the literature in individuals affected with BRCA2-related conditions. This variant is not present in population databases (gnomAD no frequency). This sequence change replaces alanine, which is neutral and non-polar, with glycine, which is neutral and non-polar, at codon 2249 of the BRCA2 protein (p.Ala2249Gly).

NM_000059.4(BRCA2):c.6746C>G (p.Ala2249Gly)

Gene: BRCA2 (BRCA2 DNA repair associated; plus strand). Cytogenetic location: 13q13.1.
Variant type: single nucleotide variant.
Coding change: c.6746C>G on transcript NM_000059.4 (MANE Select); coding-DNA position 6746, C replaced by G.
Protein change: p.Ala2249Gly; replaces alanine 2249 with glycine.
Molecular consequence: missense variant.
Genome position (GRCh38, 1-based): chr13:32,341,101, C>G. VCF-style: chr13-32341101-C-G. GRCh37 (hg19) VCF-style: chr13-32915238-C-G.
Other names: c.6746C>G, p.Ala2249Gly (NM_001406719.1, NM_001406720.1); short protein forms A2249G.
Identifiers: ClinVar variation 2084941 (VCV002084941.6), dbSNP rs2072564276, ClinGen allele CA387791125.
Genomic context (GRCh38, chr13:32,341,101, plus strand): 5'-AAATTGCTAAAGCTTTTATGGAAGATGATGAACTGACAGATTCTAAACTGCCAAGTCATG[C>G]CACACATTCTCTTTTTACATGTCCCGAAAATGAGGAAATGGTTTTGTCAAATTCAAGAAT-3'
Protein context (NP_000050.3, residues 2239-2259): ELTDSKLPSH[Ala2249Gly]THSLFTCPEN